The following is an entry in ClinVar:

ClinVar aggregate classification (germline): Uncertain significance (1 of 4 stars; one submission).

Submission:

CeGaT Center for Human Genetics Tuebingen
Classification: Uncertain significance. Last evaluated: 2024-06-01. Review status: criteria provided, single submitter. Criteria: CeGaT Center For Human Genetics Tuebingen Variant Classification Criteria Version 2. Collection method: clinical testing. Allele origin: germline. Affected: yes. Observed: 1 variant allele.
Comment: KISS1R: PM2

NM_032551.5(KISS1R):c.683T>C (p.Leu228Pro)

Gene: KISS1R (KISS1 receptor; plus strand). Cytogenetic location: 19p13.3.
Variant type: single nucleotide variant.
Coding change: c.683T>C on transcript NM_032551.5 (MANE Select); coding-DNA position 683, T replaced by C.
Protein change: p.Leu228Pro; replaces leucine 228 with proline.
Molecular consequence: missense variant.
Genome position (GRCh38, 1-based): chr19:920,051, T>C. VCF-style: chr19-920051-T-C. GRCh37 (hg19) VCF-style: chr19-920051-T-C.
Other names: short protein forms L228P.
Identifiers: ClinVar variation 3250883 (VCV003250883.18), dbSNP rs2512284147.